The following is an entry in ClinVar:

ClinVar aggregate classification (germline): Uncertain significance (1 of 4 stars; one submission).

Conditions:
3MC syndrome 1. Also called: CRANIOSYNOSTOSIS WITH LID ANOMALIES; OCULOPALATOSKELETAL SYNDROME; MICHELS SYNDROME. Identifiers: Orphanet 293843, MedGen C0796059, MONDO:0009770, OMIM 257920.

gnomAD v4.1: 10 of 1,613,978 alleles (0.00062%); highest among the groups gnomAD compares: East Asian, 0.0089%; no homozygotes.

Submission:

Juno Genomics, Hangzhou Juno Genomics, Inc
Classification: Uncertain significance for 3MC syndrome 1. Review status: criteria provided, single submitter. Criteria: ACMG Guidelines, 2015. Collection method: clinical testing. Allele origin: germline.
Comment: Absent from controls (or at extremely low frequency if recessive) in Genome Aggregation Database.;Multiple lines of computational evidence support a deleterious effect on the gene or gene product.

NM_139125.4(MASP1):c.2186G>A (p.Ter729=)

Gene: MASP1 (MBL associated serine protease 1; minus strand). Cytogenetic location: 3q27.3.
Variant type: single nucleotide variant.
Coding change: c.2186G>A on transcript NM_139125.4 (MANE Select); coding-DNA position 2186, G replaced by A.
Protein change: p.Ter729=.
Molecular consequence: synonymous variant. On other transcripts: non-coding transcript variant (1), intron variant (1).
Genome position (GRCh38, 1-based): chr3:187,235,685, C>T on the plus strand (G>A on the coding strand, the complement: MASP1 is on the minus strand). VCF-style: chr3-187235685-C-T. GRCh37 (hg19) VCF-style: chr3-186953473-C-T.
Other names: c.1304-5788G>A (NM_001879.6).
Identifiers: ClinVar variation 5006600 (VCV005006600.2), dbSNP rs139251847.